The following is an entry in ClinVar:

ClinVar aggregate classification (germline): Pathogenic. Review status: criteria provided, multiple submitters, no conflicts (2 of 4 stars). 2 submissions from 2 submitters: Pathogenic (2). Last evaluated 2025-07-29.

Conditions:
Alstrom syndrome (ALMS). Identifiers: Orphanet 64, MedGen C0268425, MONDO:0008763, OMIM 203800.

Allele frequency attached by ClinVar (database versions not stated): gnomAD exomes below 0.00001.

Submissions (2):

Labcorp Genetics (formerly Invitae), Labcorp
Classification: Pathogenic for Alstrom syndrome. Last evaluated: 2025-07-29. Review status: criteria provided, single submitter. Criteria: Invitae Variant Classification Sherloc (09022015). Collection method: clinical testing. Allele origin: germline.
Comment: This sequence change creates a premature translational stop signal (p.Arg3805Asnfs*28) in the ALMS1 gene. It is expected to result in an absent or disrupted protein product. Loss-of-function variants in ALMS1 are known to be pathogenic (PMID: 17594715). This variant is present in population databases (no rsID available, gnomAD 0.0009%). This premature translational stop signal has been observed in individual(s) with Alstrom syndrome (PMID: 21157496). ClinVar contains an entry for this variant (Variation ID: 1360825). For these reasons, this variant has been classified as Pathogenic.

Natera, Inc.
Classification: Pathogenic for Alstrom syndrome. Last evaluated: 2024-07-18. Review status: criteria provided, single submitter. Criteria: Natera Variant Classification Schema (03/2026). Collection method: clinical testing. Allele origin: germline.
Comment: The c.11414del variant in ALMS1 is a frameshift variant predicted to shift the reading frame beginning at codon 3805 and leads to a stop codon 28 codons downstream. This variant is expected to result in nonsense mediated decay, truncation, or a dysfunctional protein product. This variant is rare in the general population with a frequency below the threshold expected for the associated phenotype(s). This variant has been observed in one or more individuals affected with the associated recessive disease, as either homozygous or compound heterozygous with a second variant (PMID: 26066530). Given the available evidence, this variant is classified as Pathogenic.

Literature cited by the submitters: PubMed 17594715 (cited by Labcorp Genetics (formerly Invitae), Labcorp); PubMed 21157496 (cited by Labcorp Genetics (formerly Invitae), Labcorp); PubMed 26066530 (cited by Natera, Inc.).

NM_001378454.1(ALMS1):c.11411del (p.Arg3804fs)

Gene: ALMS1 (ALMS1 centrosome and basal body associated protein; plus strand). Cytogenetic location: 2p13.1.
Variant type: Deletion.
Coding change: c.11411del on transcript NM_001378454.1 (MANE Select); coding-DNA position 11411, one base deleted (G; older notation c.11411delG).
Protein change: p.Arg3804fs; shifts the reading frame from arginine 3804.
Molecular consequence: frameshift variant.
Genome position (GRCh38, 1-based): chr2:73,573,288, G deleted. VCF-style (leftmost placement, unchanged base first): chr2-73573287-AG-A. GRCh37 (hg19) VCF-style: chr2-73800414-AG-A.
Other names: c.11414del, p.Arg3805fs (NM_015120.4); short protein forms R3804fs, R3805fs.
Identifiers: ClinVar variation 1360825 (VCV001360825.9), dbSNP rs1263250868, ClinGen allele CA534125074.